The following is an entry in ClinVar:

ClinVar aggregate classification (germline): Uncertain significance (1 of 4 stars; one submission).

Conditions:
Hereditary cancer-predisposing syndrome. Also called: Neoplastic Syndromes, Hereditary; Tumor predisposition; Hereditary Cancer Syndrome; Hereditary neoplastic syndrome. Identifiers: Orphanet 140162, MedGen C0027672, MeSH D009386, MONDO:0015356.

Submission:

Ambry Genetics
Classification: Uncertain significance for Hereditary cancer-predisposing syndrome. Last evaluated: 2026-03-17. Review status: criteria provided, single submitter. Criteria: Ambry Variant Classification Scheme 2023. Collection method: clinical testing. Allele origin: germline.
Comment: The p.L594R variant (also known as c.1781T>G), located in coding exon 18 of the RB1 gene, results from a T to G substitution at nucleotide position 1781. The leucine at codon 594 is replaced by arginine, an amino acid with dissimilar properties. This amino acid position is conserved. In addition, the in silico prediction for this alteration is inconclusive. Based on the available evidence, the clinical significance of this variant remains unclear.

NM_000321.3(RB1):c.1781T>G (p.Leu594Arg)

Gene: RB1 (RB transcriptional corepressor 1; plus strand). Cytogenetic location: 13q14.2.
Variant type: single nucleotide variant.
Coding change: c.1781T>G on transcript NM_000321.3 (MANE Select); coding-DNA position 1781, T replaced by G.
Protein change: p.Leu594Arg; replaces leucine 594 with arginine.
Molecular consequence: missense variant.
Genome position (GRCh38, 1-based): chr13:48,453,078, T>G. VCF-style: chr13-48453078-T-G. GRCh37 (hg19) VCF-style: chr13-49027214-T-G.
Other names: c.1781T>G, p.Leu594Arg (NM_001407165.1); short protein forms L594R.
Identifiers: ClinVar variation 4863010 (VCV004863010.1).
Genomic context (GRCh38, chr13:48,453,078, plus strand): 5'-AACAATCAAAGGACCGAGAAGGACCAACTGATCACCTTGAATCTGCTTGTCCTCTTAATC[T>G]TCCTCTCCAGAATAATCACACTGCAGCAGATATGTAAGCAAAATATATGTTATGTTGACC-3'
Protein context (NP_000312.2, residues 584-604): DHLESACPLN[Leu594Arg]PLQNNHTAAD